The following is an entry in ClinVar:

NM_032805.3(ZSCAN10):c.62AGG[3] (p.Glu24del)

Gene: ZSCAN10 (zinc finger and SCAN domain containing 10; minus strand). Cytogenetic location: 16p13.3.
Variant type: Microsatellite.
Coding change: c.62AGG[3] on transcript NM_032805.3 (MANE Select); three copies in a row of the 3-base unit AGG starting at c.62; the reference has four copies in a row; one copy, 3 bases deleted.
Protein change: p.Glu24del; deletes glutamic acid 24.
Molecular consequence: inframe deletion. On other transcripts: 5 prime UTR variant (2), intron variant (2).
Genome position (GRCh38, 1-based): chr16:3,092,865-3,092,867, CCT deleted on the plus strand (AGG on the coding strand, the reverse complement: ZSCAN10 is on the minus strand); deleting any 3 consecutive bases within chr16:3,092,865-3,092,878 gives the same sequence; the position shown is the placement nearest the transcript's 3' end. VCF-style (leftmost placement, unchanged base first): chr16-3092864-GCCT-G. GRCh37 (hg19) VCF-style: chr16-3142865-GCCT-G.
Other names: c.-82AGG[3] (NM_001282416.2, NM_001365272.1); c.-518-1048AGG[3] (NM_001365273.1); c.-786-560AGG[3] (NM_001282415.2); short protein forms E24del.
Identifiers: ClinVar variation 4532397 (VCV004532397.1).

ClinVar aggregate classification (germline): Uncertain significance (1 of 4 stars; one submission).

Submission:

GeneDx
Classification: Uncertain significance. Last evaluated: 2025-05-14. Review status: criteria provided, single submitter. Criteria: GeneDx Variant Classification Process June 2021. Collection method: clinical testing. Allele origin: germline. Affected: yes.
Comment: In-frame deletion of one amino acid in a non-repeat region; In silico analysis does not support a benign or deleterious effect of this variant on protein structure/function; Has not been previously published as pathogenic or benign to our knowledge; Variants in candidate genes are classified as variants of uncertain significance in accordance with ACMG guidelines (PMID: 25741868)